The following is an entry in ClinVar:

NM_153240.5(NPHP3):c.856C>G (p.Gln286Glu)

Genes: NPHP3 (nephrocystin 3; minus strand), NPHP3-ACAD11 (NPHP3-ACAD11 readthrough (NMD candidate); minus strand). Cytogenetic location: 3q22.1.
Variant type: single nucleotide variant.
Coding change: c.856C>G on transcript NM_153240.5 (MANE Select); coding-DNA position 856, C replaced by G.
Protein change: p.Gln286Glu; replaces glutamine 286 with glutamic acid.
Molecular consequence: missense variant. On other transcripts: non-coding transcript variant (1).
Genome position (GRCh38, 1-based): chr3:132,715,186, G>C on the plus strand (C>G on the coding strand, the complement: NPHP3 is on the minus strand). VCF-style: chr3-132715186-G-C. GRCh37 (hg19) VCF-style: chr3-132434030-G-C.
Other names: short protein forms Q286E.
Identifiers: ClinVar variation 1045056 (VCV001045056.7), dbSNP rs775337662, ClinGen allele CA2622476.

ClinVar aggregate classification (germline): Uncertain significance. Review status: criteria provided, multiple submitters, no conflicts (2 of 4 stars). 2 submissions from 2 submitters: Uncertain significance (2). Last evaluated 2025-08-11.

Conditions:
Nephronophthisis. Also called: Juvenile Nephronophthisis. Identifiers: Orphanet 655, MedGen C0687120, MONDO:0019005, HP:0000090.
NPHP3-related Meckel-like syndrome. Also called: GOLDSTON SYNDROME; Meckel syndrome type 7. Identifiers: Orphanet 3032, MedGen C2673885, MONDO:0009966, OMIM 267010.
Renal-hepatic-pancreatic dysplasia 1 (RHPD1). Identifiers: MedGen C3715199, MONDO:0008833, OMIM 208540.
Nephronophthisis 3 (NPHP3). Also called: Adolescent nephronophthisis. Identifiers: Orphanet 655, MedGen C1858392, MONDO:0011456, OMIM 604387.

Allele frequency attached by ClinVar (database versions not stated): gnomAD exomes below 0.00001; TOPMed below 0.00001; ExAC 0.00001; gnomAD 0.00001.
gnomAD v4.1: 2 of 1,611,774 alleles (0.00012%); highest among the groups gnomAD compares: African/African-American, 0.0013%; no homozygotes.

Submissions (2):

Labcorp Genetics (formerly Invitae), Labcorp
Classification: Uncertain significance for Nephronophthisis. Last evaluated: 2025-08-11. Review status: criteria provided, single submitter. Criteria: Invitae Variant Classification Sherloc (09022015). Collection method: clinical testing. Allele origin: germline.
Comment: This sequence change replaces glutamine, which is neutral and polar, with glutamic acid, which is acidic and polar, at codon 286 of the NPHP3 protein (p.Gln286Glu). This variant is present in population databases (rs775337662, gnomAD 0.008%). This variant has not been reported in the literature in individuals affected with NPHP3-related conditions. ClinVar contains an entry for this variant (Variation ID: 1045056). Invitae Evidence Modeling of protein sequence and biophysical properties (such as structural, functional, and spatial information, amino acid conservation, physicochemical variation, residue mobility, and thermodynamic stability) indicates that this missense variant is not expected to disrupt NPHP3 protein function with a negative predictive value of 80%. In summary, the available evidence is currently insufficient to determine the role of this variant in disease. Therefore, it has been classified as a Variant of Uncertain Significance.

Fulgent Genetics
Classification: Uncertain significance for Renal-hepatic-pancreatic dysplasia 1; NPHP3-related Meckel-like syndrome; Nephronophthisis 3. Last evaluated: 2022-01-03. Review status: criteria provided, single submitter. Criteria: ACMG Guidelines, 2015. Collection method: clinical testing. Allele origin: unknown.